The following is an entry in ClinVar:

NM_004655.4(AXIN2):c.629T>A (p.Met210Lys)

Gene: AXIN2 (axin 2; minus strand). Cytogenetic location: 17q24.1.
Variant type: single nucleotide variant.
Coding change: c.629T>A on transcript NM_004655.4 (MANE Select); coding-DNA position 629, T replaced by A.
Protein change: p.Met210Lys; replaces methionine 210 with lysine.
Molecular consequence: missense variant.
Genome position (GRCh38, 1-based): chr17:65,557,992, A>T on the plus strand (T>A on the coding strand, the complement: AXIN2 is on the minus strand). VCF-style: chr17-65557992-A-T. GRCh37 (hg19) VCF-style: chr17-63554110-A-T.
Other names: c.629T>A, p.Met210Lys (NM_001363813.1); short protein forms M210K.
Identifiers: ClinVar variation 2860570 (VCV002860570.3), dbSNP rs529954883, ClinGen allele CA400680614.

ClinVar aggregate classification (germline): Uncertain significance (1 of 4 stars; one submission).

Conditions:
Oligodontia-cancer predisposition syndrome. Also called: TOOTH AGENESIS-COLORECTAL CANCER SYNDROME. Identifiers: Orphanet 300576, MedGen C1837750, MONDO:0012075, OMIM 608615. Disease mechanism: loss of function.

Submission:

Labcorp Genetics (formerly Invitae), Labcorp
Classification: Uncertain significance for Oligodontia-cancer predisposition syndrome. Last evaluated: 2023-04-29. Review status: criteria provided, single submitter. Criteria: Invitae Variant Classification Sherloc (09022015). Collection method: clinical testing. Allele origin: germline.
Comment: This sequence change replaces methionine, which is neutral and non-polar, with lysine, which is basic and polar, at codon 210 of the AXIN2 protein (p.Met210Lys). In summary, the available evidence is currently insufficient to determine the role of this variant in disease. Therefore, it has been classified as a Variant of Uncertain Significance. Advanced modeling of protein sequence and biophysical properties (such as structural, functional, and spatial information, amino acid conservation, physicochemical variation, residue mobility, and thermodynamic stability) performed at Invitae indicates that this missense variant is not expected to disrupt AXIN2 protein function. This variant has not been reported in the literature in individuals affected with AXIN2-related conditions. This variant is not present in population databases (gnomAD no frequency).